The following is an entry in ClinVar:

ClinVar aggregate classification (germline): Uncertain significance (1 of 4 stars; one submission).

Conditions:
Deficiency of malonyl-CoA decarboxylase. Also called: Malonic aciduria; MCD deficiency. Identifiers: Orphanet 943, MedGen C0342793, MONDO:0009556, OMIM 248360.

Allele frequency attached by ClinVar (database versions not stated): ESP Exome Variant Server 0.00008.
gnomAD v4.1: 44 of 1,613,714 alleles (0.0027%); highest among the groups gnomAD compares: Non-Finnish European, 0.0035%; no homozygotes.

Submission:

Labcorp Genetics (formerly Invitae), Labcorp
Classification: Uncertain significance for Deficiency of malonyl-CoA decarboxylase. Last evaluated: 2022-01-07. Review status: criteria provided, single submitter. Criteria: Invitae Variant Classification Sherloc (09022015). Collection method: clinical testing. Allele origin: germline.
Comment: This sequence change replaces threonine, which is neutral and polar, with serine, which is neutral and polar, at codon 445 of the MLYCD protein (p.Thr445Ser). This variant is present in population databases (rs370273762, gnomAD 0.003%). This variant has not been reported in the literature in individuals affected with MLYCD-related conditions. Algorithms developed to predict the effect of missense changes on protein structure and function output the following: SIFT: "Tolerated"; PolyPhen-2: "Benign"; Align-GVGD: "Class C0". The serine amino acid residue is found in multiple mammalian species, which suggests that this missense change does not adversely affect protein function. In summary, the available evidence is currently insufficient to determine the role of this variant in disease. Therefore, it has been classified as a Variant of Uncertain Significance.

NM_012213.3(MLYCD):c.1334C>G (p.Thr445Ser)

Gene: MLYCD (malonyl-CoA decarboxylase; plus strand). Cytogenetic location: 16q23.3.
Variant type: single nucleotide variant.
Coding change: c.1334C>G on transcript NM_012213.3 (MANE Select); coding-DNA position 1334, C replaced by G.
Protein change: p.Thr445Ser; replaces threonine 445 with serine.
Molecular consequence: missense variant.
Genome position (GRCh38, 1-based): chr16:83,915,341, C>G. VCF-style: chr16-83915341-C-G. GRCh37 (hg19) VCF-style: chr16-83948946-C-G.
Other names: short protein forms T445S.
Identifiers: ClinVar variation 2055838 (VCV002055838.1), dbSNP rs370273762, ClinGen allele CA8197600.